The following is an entry in ClinVar:

NM_000275.3(OCA2):c.2433-14T>G

Gene: OCA2 (OCA2 melanosomal transmembrane protein; minus strand). Cytogenetic location: 15q12.
Variant type: single nucleotide variant.
Coding change: c.2433-14T>G on transcript NM_000275.3 (MANE Select); 14 bases into the intron before coding-DNA position 2433, T replaced by G.
Molecular consequence: intron variant.
Genome position (GRCh38, 1-based): chr15:27,755,486, A>C on the plus strand (T>G on the coding strand, the complement: OCA2 is on the minus strand). VCF-style: chr15-27755486-A-C. GRCh37 (hg19) VCF-style: chr15-28000632-A-C.
Other names: c.2361-14T>G (NM_001300984.2).
Identifiers: ClinVar variation 2027777 (VCV002027777.4), dbSNP rs2504086152, ClinGen allele CA2575652798.

ClinVar aggregate classification (germline): Likely pathogenic (1 of 4 stars; one submission).

Submission:

Labcorp Genetics (formerly Invitae), Labcorp
Classification: Likely pathogenic. Last evaluated: 2023-09-29. Review status: criteria provided, single submitter. Criteria: Invitae Variant Classification Sherloc (09022015). Collection method: clinical testing. Allele origin: germline.
Comment: This variant is not present in population databases (gnomAD no frequency). In summary, the currently available evidence indicates that the variant is pathogenic, but additional data are needed to prove that conclusively. Therefore, this variant has been classified as Likely Pathogenic. Algorithms developed to predict the effect of sequence changes on RNA splicing suggest that this variant may disrupt the consensus splice site. ClinVar contains an entry for this variant (Variation ID: 2027777). This variant has been observed in individual(s) with features of oculocutaneous albinism (Invitae). In at least one individual the data is consistent with being in trans (on the opposite chromosome) from a pathogenic variant. This sequence change falls in intron 23 of the OCA2 gene. It does not directly change the encoded amino acid sequence of the OCA2 protein.